The following is an entry in ClinVar:

NM_024757.5(EHMT1):c.1923del (p.Thr641_Ile642insTer)

Gene: EHMT1 (euchromatic histone lysine methyltransferase 1; plus strand). Cytogenetic location: 9q34.3.
Variant type: Deletion.
Coding change: c.1923del on transcript NM_024757.5 (MANE Select); coding-DNA position 1923, one base deleted (G; older notation c.1923delG).
Protein change: p.Thr641_Ile642insTer.
Molecular consequence: frameshift variant.
Genome position (GRCh38, 1-based): chr9:137,776,749, G deleted. VCF-style (leftmost placement, unchanged base first): chr9-137776748-CG-C. GRCh37 (hg19) VCF-style: chr9-140671200-CG-C.
Other names: c.1923del, p.Thr641_Ile642insTer (NM_001145527.2); c.1830del, p.Thr610_Ile611insTer (NM_001354259.2); c.1902del, p.Thr634_Ile635insTer (NM_001354263.2).
Identifiers: ClinVar variation 3236863 (VCV003236863.1).

ClinVar aggregate classification (germline): Pathogenic (1 of 4 stars; one submission).

Conditions:
Kleefstra syndrome 1 (KLEFS1). Identifiers: Orphanet 261494, MedGen C0795833, MONDO:0027407, OMIM 610253.

Submission:

Laboratory of Genetics, Children's Clinical University Hospital Latvia
Classification: Pathogenic for Kleefstra syndrome 1. Review status: criteria provided, single submitter. Criteria: ACMG Guidelines, 2015. Collection method: curation. Allele origin: germline. Affected: yes.
Comment: Inheritance unknown

Literature cited by the submitters: PubMed 39013458.